The following is an entry in ClinVar:

NM_001371596.2(MFSD8):c.154G>A (p.Gly52Arg)

Gene: MFSD8 (major facilitator superfamily domain containing 8; minus strand). Cytogenetic location: 4q28.2.
Variant type: single nucleotide variant.
Coding change: c.154G>A on transcript NM_001371596.2 (MANE Select); coding-DNA position 154, G replaced by A.
Protein change: p.Gly52Arg; replaces glycine 52 with arginine.
Molecular consequence: missense variant.
Genome position (GRCh38, 1-based): chr4:127,957,501, C>T on the plus strand (G>A on the coding strand, the complement: MFSD8 is on the minus strand). VCF-style: chr4-127957501-C-T. GRCh37 (hg19) VCF-style: chr4-128878656-C-T.
Other names: c.154G>A, p.Gly52Arg (NM_001363520.3, NM_001363521.3, NM_001371591.2 and 5 more transcripts); c.19G>A, p.Gly7Arg (NM_001371590.2, NM_001371595.1, NM_001410765.1); short protein forms G52R, G7R.
Identifiers: ClinVar variation 1723374 (VCV001723374.5), dbSNP rs779838200, ClinGen allele CA3077567.

ClinVar aggregate classification (germline): Conflicting classifications of pathogenicity. Review status: criteria provided, conflicting classifications (1 of 4 stars). 4 submissions from 4 submitters: Likely pathogenic (1); Uncertain significance (3). Last evaluated 2025-12-10.

Conditions:
Neuronal ceroid lipofuscinosis 7 (CLN7). Also called: MFSD8-Related Neuronal Ceroid-Lipofuscinosis. Identifiers: Orphanet 168491, Orphanet 228366, MedGen C1838571, MONDO:0012588, OMIM 610951.
MFSD8-related disorders.

Allele frequency attached by ClinVar (database versions not stated): TOPMed below 0.00001; gnomAD exomes 0.00001; ExAC 0.00004.

Submissions (4):

3billion
Classification: Uncertain significance for Neuronal ceroid lipofuscinosis 7. Last evaluated: 2025-12-10. Review status: criteria provided, single submitter. Criteria: ACMG Guidelines, 2015. Collection method: clinical testing. Allele origin: germline. Affected: yes.
Comment: The variant is observed at an extremely low frequency in the gnomAD v4.1.0 dataset (total allele frequency: <0.001%). Predicted Consequence/Location: Missense variant. In silico tool predictions suggest damaging effect of the variant on gene or gene product [REVEL: 0.85 (>=0.6, sensitivity 0.68 and specificity 0.92); 3Cnet: 0.23 (> 0.75, sensitivity 0.96 and precision 0.92)]. The same nucleotide change resulting in the same amino acid change has been previously reported to be associated with MFSD8-related disorder (PMID: 19177532).A different missense change at the same codon (p.Gly52Ala) has been reported to be associated with MFSD8-related disorder (PMID: 35457110). However the evidence of pathogenicity is insufficient at this time. Therefore, this variant is classified as VUS according to the recommendation of ACMG/AMP guideline.

Blueprint Genetics
Classification: Likely pathogenic for MFSD8-related disorders. Last evaluated: 2023-11-28. Review status: criteria provided, single submitter. Criteria: ACMG Guidelines, 2015. Collection method: clinical testing. Allele origin: germline. Affected: yes. Observed: 3 variant alleles.

Women's Health and Genetics/Laboratory Corporation of America, LabCorp
Classification: Uncertain significance. Last evaluated: 2022-10-22. Review status: criteria provided, single submitter. Criteria: LabCorp Variant Classification Summary - May 2015. Collection method: clinical testing. Allele origin: germline.
Comment: Variant summary: MFSD8 c.154G>A (p.Gly52Arg) results in a non-conservative amino acid change in the encoded protein sequence. Five of five in-silico tools predict a damaging effect of the variant on protein function. The variant allele was found at a frequency of 1.6e-05 in 250298 control chromosomes. The available data on variant occurrences in the general population are insufficient to allow any conclusion about variant significance. c.154G>A has been reported in the literature as a presumed biallelic genotype in at-least one individual affected with features of Variant-Late Infantile Neuronal Ceroid-Lipofuscinosis (Batten Disease) (example, Aiello_2009). These data do not allow any conclusion about variant significance. To our knowledge, no experimental evidence demonstrating an impact on protein function has been reported. No clinical diagnostic laboratories have submitted clinical-significance assessments for this variant to ClinVar after 2014. Based on the evidence outlined above, the variant was classified as uncertain significance.

Labcorp Genetics (formerly Invitae), Labcorp
Classification: Uncertain significance for Neuronal ceroid lipofuscinosis 7. Last evaluated: 2021-12-28. Review status: criteria provided, single submitter. Criteria: Invitae Variant Classification Sherloc (09022015). Collection method: clinical testing. Allele origin: germline.
Comment: This sequence change replaces glycine, which is neutral and non-polar, with arginine, which is basic and polar, at codon 52 of the MFSD8 protein (p.Gly52Arg). This variant also falls at the last nucleotide of exon 3, which is part of the consensus splice site for this exon. This variant is present in population databases (rs779838200, gnomAD 0.004%). This missense change has been observed in individual(s) with neuronal ceroid lipofuscinosis (PMID: 19177532). In at least one individual the data is consistent with being in trans (on the opposite chromosome) from a pathogenic variant. Algorithms developed to predict the effect of missense changes on protein structure and function are either unavailable or do not agree on the potential impact of this missense change (SIFT: "Deleterious"; PolyPhen-2: "Probably Damaging"; Align-GVGD: "Class C0"). Variants that disrupt the consensus splice site are a relatively common cause of aberrant splicing (PMID: 17576681, 9536098). Algorithms developed to predict the effect of sequence changes on RNA splicing suggest that this variant may disrupt the consensus splice site. In summary, the available evidence is currently insufficient to determine the role of this variant in disease. Therefore, it has been classified as a Variant of Uncertain Significance.

Literature cited by the submitters: PubMed 19177532 (cited by 3 submitters); PubMed 35457110 (cited by 3billion); PubMed 20826447 (cited by Women's Health and Genetics/Laboratory Corporation of America, LabCorp); PubMed 17576681 (cited by Labcorp Genetics (formerly Invitae), Labcorp); PubMed 9536098 (cited by Labcorp Genetics (formerly Invitae), Labcorp).